The following is an entry in ClinVar:

NM_176869.3(PPA2):c.814C>T (p.His272Tyr)

Gene: PPA2 (inorganic pyrophosphatase 2; minus strand). Cytogenetic location: 4q24.
Variant type: single nucleotide variant.
Coding change: c.814C>T on transcript NM_176869.3 (MANE Select); coding-DNA position 814, C replaced by T.
Protein change: p.His272Tyr; replaces histidine 272 with tyrosine.
Molecular consequence: missense variant.
Genome position (GRCh38, 1-based): chr4:105,396,304, G>A on the plus strand (C>T on the coding strand, the complement: PPA2 is on the minus strand). VCF-style: chr4-105396304-G-A. GRCh37 (hg19) VCF-style: chr4-106317461-G-A.
Other names: c.727C>T, p.His243Tyr (NM_006903.4); c.508C>T, p.His170Tyr (NM_176866.2); c.316C>T, p.His106Tyr (NM_176867.3); short protein forms H243Y, H272Y, H106Y, H170Y.
Identifiers: ClinVar variation 2149791 (VCV002149791.3), dbSNP rs758551684, ClinGen allele CA3032408.

ClinVar aggregate classification (germline): Conflicting classifications of pathogenicity. Review status: criteria provided, conflicting classifications (1 of 4 stars). 3 submissions from 3 submitters: Likely pathogenic (1); Uncertain significance (2). Last evaluated 2023-07-17.

Conditions:
Sudden cardiac failure, infantile (SCFI). Identifiers: MedGen C4310664, MONDO:0014973, OMIM 617222.
Inborn genetic diseases. Identifiers: MedGen C0950123, MeSH D030342.

Allele frequency attached by ClinVar (database versions not stated): ExAC 0.00001; gnomAD 0.00001; TOPMed 0.00003; gnomAD exomes 0.00004.
gnomAD v4.1: 62 of 1,598,226 alleles (0.0039%); highest among the groups gnomAD compares: Non-Finnish European, 0.005%; no homozygotes.

Submissions (3):

Victorian Clinical Genetics Services, Murdoch Childrens Research Institute
Classification: Likely pathogenic for Sudden cardiac failure, infantile. Last evaluated: 2023-07-17. Review status: criteria provided, single submitter. Criteria: ACMG Guidelines, 2015. Collection method: clinical testing. Allele origin: germline. Inheritance: Autosomal recessive inheritance. Affected: yes.
Comment: Based on the classification scheme VCGS_Germline_v1.3.4, this variant is classified as Likely pathogenic. Following criteria are met: 0102 - Loss of function is a known mechanism of disease in this gene and is associated with sudden cardiac failure, infantile (MIM#617222). (I) 0106 - This gene is associated with autosomal recessive disease. (I) 0200 - Variant is predicted to result in a missense amino acid change from histidine to tyrosine. (I) 0251 - This variant is heterozygous. (I) 0304 - Variant is present in gnomAD <0.01 for a recessive condition (v2 & v3: 4 heterozygotes, 0 homozygotes). (SP) 0502 - Missense variant with conflicting in silico predictions and uninformative conservation. (I) 0600 - Variant is located in the annotated pyrophosphatase domain (DECIPHER). (I) 0705 - No comparable missense variants have previous evidence for pathogenicity. (I) 0809 - Previous evidence of pathogenicity for this variant is inconclusive. It has been regarded as a VUS twice in ClinVar by diagnostic laboratories and described to have been reported in trans with a pathogenic variant in at least one individual. (I) 0905 - No published segregation evidence has been identified for this variant. (I) 1007 - No published functional evidence has been identified for this variant. (I) 1101 - Very strong and specific phenotype match for this individual. (SP) 1201 - Heterozygous variant detected in trans with a second pathogenic heterozygous variant, NM_176869.2(PPA2):c.514G>A; p.(Glu172Lys), in a recessive disease. (I) Legend: (SP) - Supporting pathogenic, (I) - Information, (SB) - Supporting benign

Ambry Genetics
Classification: Uncertain significance for Inborn genetic diseases. Last evaluated: 2022-07-12. Review status: criteria provided, single submitter. Criteria: Ambry Variant Classification Scheme 2023. Collection method: clinical testing. Allele origin: germline.
Comment: The c.814C>T (p.H272Y) alteration is located in exon 9 (coding exon 9) of the PPA2 gene. This alteration results from a C to T substitution at nucleotide position 814, causing the histidine (H) at amino acid position 272 to be replaced by a tyrosine (Y). Based on data from gnomAD, the T allele has an overall frequency of <0.01% (3/236722) total alleles studied. The highest observed frequency was 0.01% (1/15976) of African alleles. This amino acid position is highly conserved in available vertebrate species. The in silico prediction for this alteration is inconclusive. Based on insufficient or conflicting evidence, the clinical significance of this alteration remains unclear.

Labcorp Genetics (formerly Invitae), Labcorp
Classification: Uncertain significance. Last evaluated: 2022-07-05. Review status: criteria provided, single submitter. Criteria: Invitae Variant Classification Sherloc (09022015). Collection method: clinical testing. Allele origin: germline.
Comment: This sequence change replaces histidine, which is basic and polar, with tyrosine, which is neutral and polar, at codon 272 of the PPA2 protein (p.His272Tyr). This variant is present in population databases (rs758551684, gnomAD 0.007%). This missense change has been observed in individual(s) with clinical features of PPA2-related conditions (Invitae). In at least one individual the data is consistent with being in trans (on the opposite chromosome) from a pathogenic variant. Algorithms developed to predict the effect of missense changes on protein structure and function are either unavailable or do not agree on the potential impact of this missense change (SIFT: "Deleterious"; PolyPhen-2: "Probably Damaging"; Align-GVGD: "Class C15"). In summary, the available evidence is currently insufficient to determine the role of this variant in disease. Therefore, it has been classified as a Variant of Uncertain Significance.